The following is an entry in ClinVar:

NM_001453.3(FOXC1):c.573C>T (p.Leu191=)

Gene: FOXC1 (forkhead box C1; plus strand). Cytogenetic location: 6p25.3.
Variant type: single nucleotide variant.
Coding change: c.573C>T on transcript NM_001453.3 (MANE Select); coding-DNA position 573, C replaced by T.
Protein change: p.Leu191=; no amino-acid change (leucine 191 retained).
Molecular consequence: synonymous variant.
Genome position (GRCh38, 1-based): chr6:1,611,018, C>T. VCF-style: chr6-1611018-C-T. GRCh37 (hg19) VCF-style: chr6-1611253-C-T.
Identifiers: ClinVar variation 795891 (VCV000795891.8), dbSNP rs545282380, ClinGen allele CA3614784.
Genomic context (GRCh38, chr6:1,611,018, plus strand): 5'-GCGGCGCTTCAAGAAGAAGGACGCGGTGAAGGACAAGGAGGAGAAGGACAGGCTGCACCT[C>T]AAGGAGCCGCCCCCGCCCGGCCGCCAGCCCCCGCCCGCGCCGCCGGAGCAGGCCGACGGC-3'
Protein context (NP_001444.2, residues 181-201): KDKEEKDRLH[Leu191=]KEPPPPGRQP

ClinVar aggregate classification (germline): Benign/Likely benign. Review status: criteria provided, multiple submitters, no conflicts (2 of 4 stars). 3 submissions from 3 submitters: Benign (1); Likely benign (2). Last evaluated 2025-05-22.

Conditions:
FOXC1-related disorder. Also called: FOXC1-related condition.
Axenfeld-Rieger syndrome type 3 (RIEG3). Also called: AXENFELD-RIEGER ANOMALY WITH CARDIAC DEFECTS AND/OR SENSORINEURAL HEARING LOSS. Identifiers: Orphanet 782, MedGen C2678503, MONDO:0011233, OMIM 602482.

Allele frequency attached by ClinVar (database versions not stated): gnomAD below 0.00001 and 0.00010; TOPMed 0.00002; gnomAD exomes 0.00020 and 0.00052; 1000 Genomes Project 30x 0.00047; 1000 Genomes Project 0.00060; ExAC 0.00068.

Submissions (3):

PreventionGenetics, part of Exact Sciences
Classification: Likely benign for FOXC1-related condition. Last evaluated: 2025-05-22. Review status: criteria provided, single submitter. Criteria: ACMG Guidelines, 2015. Collection method: clinical testing. Allele origin: germline.
Comment: This variant is classified as likely benign based on ACMG/AMP sequence variant interpretation guidelines (Richards et al. 2015 PMID: 25741868, with internal and published modifications).

Labcorp Genetics (formerly Invitae), Labcorp
Classification: Benign for Axenfeld-Rieger syndrome type 3. Last evaluated: 2024-12-08. Review status: criteria provided, single submitter. Criteria: Invitae Variant Classification Sherloc (09022015). Collection method: clinical testing. Allele origin: germline.

Blueprint Genetics
Classification: Likely benign. Last evaluated: 2024-09-24. Review status: criteria provided, single submitter. Criteria: ACMG Guidelines, 2015. Collection method: clinical testing. Allele origin: germline.